The following is an entry in ClinVar:

NM_152703.5(SAMD9L):c.4058A>T (p.Asp1353Val)

Gene: SAMD9L (sterile alpha motif domain containing 9 like; minus strand). Cytogenetic location: 7q21.2.
Variant type: single nucleotide variant.
Coding change: c.4058A>T on transcript NM_152703.5 (MANE Select); coding-DNA position 4058, A replaced by T.
Protein change: p.Asp1353Val; replaces aspartic acid 1353 with valine.
Molecular consequence: missense variant.
Genome position (GRCh38, 1-based): chr7:93,131,914, T>A on the plus strand (A>T on the coding strand, the complement: SAMD9L is on the minus strand). VCF-style: chr7-93131914-T-A. GRCh37 (hg19) VCF-style: chr7-92761227-T-A.
Other names: c.4058A>T, p.Asp1353Val (NM_001303496.3, NM_001303497.3, NM_001303498.3 and 5 more transcripts); short protein forms D1353V.
Identifiers: ClinVar variation 4159303 (VCV004159303.1).

ClinVar aggregate classification (germline): Uncertain significance (1 of 4 stars; one submission).

Conditions:
Inborn genetic diseases. Identifiers: MedGen C0950123, MeSH D030342.

Submission:

Ambry Genetics
Classification: Uncertain significance for Inborn genetic diseases. Last evaluated: 2025-07-06. Review status: criteria provided, single submitter. Criteria: Ambry Variant Classification Scheme 2023. Collection method: clinical testing. Allele origin: germline.
Comment: The p.D1353V variant (also known as c.4058A>T), located in coding exon 1 of the SAMD9L gene, results from an A to T substitution at nucleotide position 4058. The aspartic acid at codon 1353 is replaced by valine, an amino acid with highly dissimilar properties. This amino acid position is conserved. In addition, this alteration is predicted to be tolerated by in silico analysis. Based on the available evidence, the clinical significance of this variant remains unclear.